The following is an entry in ClinVar:

NM_005677.4(COLQ):c.718-4_719del

Gene: COLQ (collagen like tail subunit of asymmetric acetylcholinesterase; minus strand). Cytogenetic location: 3p25.1.
Variant type: Deletion.
Coding change: c.718-4_719del on transcript NM_005677.4 (MANE Select); 4 bases into the intron before coding-DNA position 718 through coding-DNA position 719, 6 bases deleted (TCAGGG; older notation c.718-4_719delTCAGGG).
Molecular consequence: splice acceptor variant.
Genome position (GRCh38, 1-based): chr3:15,466,436-15,466,441, CCCTGA deleted on the plus strand (TCAGGG on the coding strand, the reverse complement: COLQ is on the minus strand); deleting any 6 consecutive bases within chr3:15,466,436-15,466,442 gives the same sequence; the c. name uses the placement nearest the transcript's 3' end. VCF-style (leftmost placement, unchanged base first): chr3-15466435-TCCCTGA-T. GRCh37 (hg19) VCF-style: chr3-15507942-TCCCTGA-T.
Other names: c.616-4_617del (NM_080539.4); c.688-4_689del (NM_080538.2).
Identifiers: ClinVar variation 5042761 (VCV005042761.1).

ClinVar aggregate classification (germline): Likely pathogenic (1 of 4 stars; one submission).

Conditions:
Fetal anomalies with a likely genetic cause.

Submission:

Genetics Laboratory, Great Ormond Street Hospital NHS Foundation Trust, North Thames Genomic Laboratory Hub
Classification: Likely pathogenic for Fetal anomalies with a likely genetic cause. Last evaluated: 2026-09-15. Review status: criteria provided, single submitter. Criteria: ACGS Best Practice Guidelines for Variant Classification in Rare Disease 2024 v1.2. Collection method: clinical testing. Allele origin: germline. Affected: yes.
Comment: PM2_moderate, PVS1_strong